The following is an entry in ClinVar:

NM_000051.4(ATM):c.1145T>A (p.Val382Asp)

Gene: ATM (ATM serine/threonine kinase; plus strand). Cytogenetic location: 11q22.3.
Variant type: single nucleotide variant.
Coding change: c.1145T>A on transcript NM_000051.4 (MANE Select); coding-DNA position 1145, T replaced by A.
Protein change: p.Val382Asp; replaces valine 382 with aspartic acid.
Molecular consequence: missense variant.
Genome position (GRCh38, 1-based): chr11:108,249,012, T>A. VCF-style: chr11-108249012-T-A. GRCh37 (hg19) VCF-style: chr11-108119739-T-A.
Other names: c.1145T>A, p.Val382Asp (NM_001351834.2); short protein forms V382D.
Identifiers: ClinVar variation 2811846 (VCV002811846.3), dbSNP rs2497210206, ClinGen allele CA382532475.
Genomic context (GRCh38, chr11:108,249,012, plus strand): 5'-GATCCTTGGAGATTTCTCAATCTTACACTACTACACAAAGAGAATCTAGTGATTACAGTG[T>A]CCCTTGCAAAAGGAAGAAAATAGAACTAGGCTGGGAAGTAATAAAAGATCACCTTCAGAA-3'
Protein context (NP_000042.3, residues 372-392): TTQRESSDYS[Val382Asp]PCKRKKIELG

ClinVar aggregate classification (germline): Uncertain significance (1 of 4 stars; one submission).

Conditions:
Ataxia-telangiectasia syndrome (AT). Also called: Ataxia-telangiectasia, complementation group E; ATAXIA-TELANGIECTASIA, COMPLEMENTATION GROUP A; ATAXIA-TELANGIECTASIA, FRESNO VARIANT; Ataxia-telangiectasia; LOUIS-BAR SYNDROME; Ataxia-telangiectasia, complementation group D. Identifiers: Orphanet 100, MedGen C0004135, MONDO:0008840, OMIM 208900.

Submission:

Labcorp Genetics (formerly Invitae), Labcorp
Classification: Uncertain significance for Ataxia-telangiectasia syndrome. Last evaluated: 2022-11-03. Review status: criteria provided, single submitter. Criteria: Invitae Variant Classification Sherloc (09022015). Collection method: clinical testing. Allele origin: germline.
Comment: In summary, the available evidence is currently insufficient to determine the role of this variant in disease. Therefore, it has been classified as a Variant of Uncertain Significance. Algorithms developed to predict the effect of missense changes on protein structure and function (SIFT, PolyPhen-2, Align-GVGD) all suggest that this variant is likely to be tolerated. This variant has not been reported in the literature in individuals affected with ATM-related conditions. This variant is not present in population databases (gnomAD no frequency). This sequence change replaces valine, which is neutral and non-polar, with aspartic acid, which is acidic and polar, at codon 382 of the ATM protein (p.Val382Asp).